The following is an entry in ClinVar:

NM_001042492.3(NF1):c.7637A>C (p.His2546Pro)

Gene: NF1 (neurofibromin 1; plus strand). Cytogenetic location: 17q11.2.
Variant type: single nucleotide variant.
Coding change: c.7637A>C on transcript NM_001042492.3 (MANE Select); coding-DNA position 7637, A replaced by C.
Protein change: p.His2546Pro; replaces histidine 2546 with proline.
Molecular consequence: missense variant.
Genome position (GRCh38, 1-based): chr17:31,356,481, A>C. VCF-style: chr17-31356481-A-C. GRCh37 (hg19) VCF-style: chr17-29683499-A-C.
Other names: c.7574A>C, p.His2525Pro (NM_000267.4); short protein forms H2525P, H2546P.
Identifiers: ClinVar variation 1759588 (VCV001759588.8), dbSNP rs2151581052, ClinGen allele CA399018020.

ClinVar aggregate classification (germline): Uncertain significance. Review status: criteria provided, multiple submitters, no conflicts (2 of 4 stars). 3 submissions from 3 submitters: Uncertain significance (3). Last evaluated 2023-02-27.

Conditions:
Cardiovascular phenotype. Identifiers: MedGen CN230736.
Hereditary cancer-predisposing syndrome. Also called: Neoplastic Syndromes, Hereditary; Tumor predisposition; Hereditary neoplastic syndrome; Hereditary Cancer Syndrome. Identifiers: Orphanet 140162, MedGen C0027672, MeSH D009386, MONDO:0015356.
Neurofibromatosis, type 1 (NF1). Also called: Peripheral type neurofibromatosis; VON RECKLINGHAUSEN DISEASE; NEUROFIBROMATOSIS, TYPE I, SOMATIC; Neurofibromatosis, type I. Identifiers: Orphanet 636, MedGen C0027831, MONDO:0018975, OMIM 162200. Disease mechanism: loss of function.

Submissions (3):

GeneDx
Classification: Uncertain significance. Last evaluated: 2023-02-27. Review status: criteria provided, single submitter. Criteria: GeneDx Variant Classification Process June 2021. Collection method: clinical testing. Allele origin: germline. Affected: yes.
Comment: Not observed at significant frequency in large population cohorts (gnomAD); In silico analysis supports that this missense variant does not alter protein structure/function; Has not been previously published as pathogenic or benign to our knowledge

Labcorp Genetics (formerly Invitae), Labcorp
Classification: Uncertain significance for Neurofibromatosis, type 1. Last evaluated: 2022-04-28. Review status: criteria provided, single submitter. Criteria: Invitae Variant Classification Sherloc (09022015). Collection method: clinical testing. Allele origin: germline.
Comment: In summary, the available evidence is currently insufficient to determine the role of this variant in disease. Therefore, it has been classified as a Variant of Uncertain Significance. Advanced modeling of protein sequence and biophysical properties (such as structural, functional, and spatial information, amino acid conservation, physicochemical variation, residue mobility, and thermodynamic stability) performed at Invitae indicates that this missense variant is expected to disrupt NF1 protein function. This variant has not been reported in the literature in individuals affected with NF1-related conditions. This variant is not present in population databases (gnomAD no frequency). This sequence change replaces histidine, which is basic and polar, with proline, which is neutral and non-polar, at codon 2525 of the NF1 protein (p.His2525Pro).

Ambry Genetics
Classification: Uncertain significance for Cardiovascular phenotype; Hereditary cancer-predisposing syndrome. Last evaluated: 2017-09-28. Review status: criteria provided, single submitter. Criteria: Ambry Variant Classification Scheme 2023. Collection method: clinical testing. Allele origin: germline.
Comment: The p.H2525P variant (also known as c.7574A>C), located in coding exon 51 of the NF1 gene, results from an A to C substitution at nucleotide position 7574. The histidine at codon 2525 is replaced by proline, an amino acid with similar properties. This amino acid position is highly conserved in available vertebrate species. In addition, the in silico prediction for this alteration is inconclusive. Since supporting evidence is limited at this time, the clinical significance of this alteration remains unclear.